The following is an entry in ClinVar:

NM_000287.4(PEX6):c.703T>C (p.Ser235Pro)

Gene: PEX6 (peroxisomal biogenesis factor 6; minus strand). Cytogenetic location: 6p21.1.
Variant type: single nucleotide variant.
Coding change: c.703T>C on transcript NM_000287.4 (MANE Select); coding-DNA position 703, T replaced by C.
Protein change: p.Ser235Pro; replaces serine 235 with proline.
Molecular consequence: missense variant. On other transcripts: non-coding transcript variant (1), intron variant (1).
Genome position (GRCh38, 1-based): chr6:42,978,448, A>G on the plus strand (T>C on the coding strand, the complement: PEX6 is on the minus strand). VCF-style: chr6-42978448-A-G. GRCh37 (hg19) VCF-style: chr6-42946186-A-G.
Other names: c.618+85T>C (NM_001316313.2); short protein forms S235P.
Identifiers: ClinVar variation 2108463 (VCV002108463.4), dbSNP rs200151586, ClinGen allele CA138237769.

ClinVar aggregate classification (germline): Uncertain significance (1 of 4 stars; one submission).

Conditions:
Peroxisome biogenesis disorder. Identifiers: Orphanet 79189, MedGen C1832200, MONDO:0019234. Disease mechanism: loss of function.

Submission:

Labcorp Genetics (formerly Invitae), Labcorp
Classification: Uncertain significance for Peroxisome biogenesis disorder. Last evaluated: 2022-03-19. Review status: criteria provided, single submitter. Criteria: Invitae Variant Classification Sherloc (09022015). Collection method: clinical testing. Allele origin: germline.
Comment: In summary, the available evidence is currently insufficient to determine the role of this variant in disease. Therefore, it has been classified as a Variant of Uncertain Significance. Algorithms developed to predict the effect of missense changes on protein structure and function output the following: SIFT: "Tolerated"; PolyPhen-2: "Benign"; Align-GVGD: "Class C0". The proline amino acid residue is found in multiple mammalian species, which suggests that this missense change does not adversely affect protein function. This sequence change replaces serine, which is neutral and polar, with proline, which is neutral and non-polar, at codon 235 of the PEX6 protein (p.Ser235Pro). This variant is not present in population databases (gnomAD no frequency). This variant has not been reported in the literature in individuals affected with PEX6-related conditions.